The following is an entry in ClinVar:

NM_022835.3(PLEKHG2):c.3106A>T (p.Thr1036Ser)

Gene: PLEKHG2 (pleckstrin homology and RhoGEF domain containing G2; plus strand). Cytogenetic location: 19q13.2.
Variant type: single nucleotide variant.
Coding change: c.3106A>T on transcript NM_022835.3 (MANE Select); coding-DNA position 3106, A replaced by T.
Protein change: p.Thr1036Ser; replaces threonine 1036 with serine.
Molecular consequence: missense variant. On other transcripts: intron variant (1).
Genome position (GRCh38, 1-based): chr19:39,424,239, A>T. VCF-style: chr19-39424239-A-T. GRCh37 (hg19) VCF-style: chr19-39914879-A-T.
Other names: c.2929A>T, p.Thr977Ser (NM_001351693.2); c.1678-999A>T (NM_001351694.2); short protein forms T1036S, T977S.
Identifiers: ClinVar variation 2486101 (VCV002486101.3), dbSNP rs570674927, ClinGen allele CA405803347.

ClinVar aggregate classification (germline): Uncertain significance. Review status: criteria provided, multiple submitters, no conflicts (2 of 4 stars). 2 submissions from 2 submitters: Uncertain significance (2). Last evaluated 2023-02-16.

Conditions:
Leukodystrophy and acquired microcephaly with or without dystonia;. Also called: Leukodystrophy and acquired microcephaly with or without dystonia. Identifiers: MedGen C4225213, MONDO:0014766, OMIM 616763.

Allele frequency attached by ClinVar (database versions not stated): TOPMed below 0.00001.
gnomAD v4.1: 3 of 1,613,768 alleles (0.00019%); highest among the groups gnomAD compares: Non-Finnish European, 0.00025%; no homozygotes.

Submissions (2):

Ambry Genetics
Classification: Uncertain significance. Last evaluated: 2023-02-16. Review status: criteria provided, single submitter. Criteria: Ambry Variant Classification Scheme 2023. Collection method: clinical testing. Allele origin: germline.

Illumina Laboratory Services, Illumina
Classification: Uncertain significance for Leukodystrophy and acquired microcephaly with or without dystonia;. Last evaluated: 2021-05-27. Review status: criteria provided, single submitter. Criteria: ICSLVariantClassificationCriteria RUGD 01 April 2020. Collection method: clinical testing. Allele origin: unknown.
Comment: The PLEKHG2 c.3106A>T (p.Thr1036Ser) variant is a missense variant. A literature search was performed for the gene, cDNA change, and amino acid change. No publications were found based on this search. This variant is reported in the Genome Aggregation Database in one allele at a frequency of 0.000015 in the European (non-Finnish) population (version 3.1.2). Based on the limited evidence, the p.Thr1036Ser variant is classified as a variant of uncertain significance for leukodystrophy and acquired microcephaly with or without dystonia.